The following is an entry in ClinVar:

ClinVar aggregate classification (germline): Uncertain significance (1 of 4 stars; one submission).

Conditions:
Cardiovascular phenotype. Identifiers: MedGen CN230736.

Allele frequency attached by ClinVar (database versions not stated): gnomAD exomes below 0.00001.
gnomAD v4.1: 1 of 1,614,028 alleles (0.000062%); highest among the groups gnomAD compares: Non-Finnish European, 0.000085%; no homozygotes.

Submission:

Ambry Genetics
Classification: Uncertain significance for Cardiovascular phenotype. Last evaluated: 2015-12-15. Review status: criteria provided, single submitter. Criteria: Ambry Variant Classification Scheme 2023. Collection method: clinical testing. Allele origin: germline.
Comment: The p.T1958I variant (also known as c.5873C>T), located in coding exon 46 of the CACNA1C gene, results from a C to T substitution at nucleotide position 5873. The threonine at codon 1958 is replaced by isoleucine, an amino acid with some similar properties. This variant was not reported in population based cohorts in the following databases: Database of Single Nucleotide Polymorphisms (dbSNP), NHLBI Exome Sequencing Project (ESP), and 1000 Genomes Project. In the ESP, this variant was not observed in 6045 samples (12090 alleles) with coverage at this position. This amino acid position is well conserved in available vertebrate species. In addition, this alteration is predicted to be tolerated by in silico analysis. Since supporting evidence is limited at this time, the clinical significance of this variant remains unclear.

NM_000719.7(CACNA1C):c.5873C>T (p.Thr1958Ile)

Genes: CACNA1C (calcium voltage-gated channel subunit alpha1 C; plus strand), CACNA1C-AS1 (CACNA1C antisense RNA 1; minus strand). Cytogenetic location: 12p13.33.
Variant type: single nucleotide variant.
Coding change: c.5873C>T on transcript NM_000719.7 (MANE Select); coding-DNA position 5873, C replaced by T.
Protein change: p.Thr1958Ile; replaces threonine 1958 with isoleucine.
Molecular consequence: missense variant.
Genome position (GRCh38, 1-based): chr12:2,688,535, C>T. VCF-style: chr12-2688535-C-T. GRCh37 (hg19) VCF-style: chr12-2797701-C-T.
Other names: c.6017C>T, p.Thr2006Ile (NM_001129827.2); c.5996C>T, p.Thr1999Ile (NM_001129829.2); c.5978C>T, p.Thr1993Ile (NM_001129830.3, NM_001167624.3); c.5957C>T, p.Thr1986Ile (NM_001129831.2); c.5933C>T, p.Thr1978Ile (NM_001129832.2); c.5930C>T, p.Thr1977Ile (NM_001129833.2, NM_001129834.2, NM_001129835.2); c.5924C>T, p.Thr1975Ile (NM_001129836.2); c.5897C>T, p.Thr1966Ile (NM_001129837.2, NM_001129838.2); and 6 more; short protein forms T1958I, T1993I, T2006I, T1955I, T1977I, T1964I, T1966I, T1978I.
Identifiers: ClinVar variation 264630 (VCV000264630.5), dbSNP rs377173230, ClinGen allele CA10587752.